The following is an entry in ClinVar:

ClinVar aggregate classification (germline): Uncertain significance. Review status: criteria provided, multiple submitters, no conflicts (2 of 4 stars). 2 submissions from 2 submitters: Uncertain significance (2). Last evaluated 2025-10-29.

Conditions:
Hereditary cancer-predisposing syndrome. Also called: Hereditary neoplastic syndrome; Tumor predisposition; Neoplastic Syndromes, Hereditary; Hereditary Cancer Syndrome. Identifiers: Orphanet 140162, MedGen C0027672, MeSH D009386, MONDO:0015356.
Birt-Hogg-Dube syndrome. Also called: Birt Hogg Dubé syndrome. Identifiers: Orphanet 122, MedGen C0346010, MONDO:0800444.

Submissions (2):

Labcorp Genetics (formerly Invitae), Labcorp
Classification: Uncertain significance for Birt-Hogg-Dube syndrome. Last evaluated: 2025-10-29. Review status: criteria provided, single submitter. Criteria: Invitae Variant Classification Sherloc (09022015). Collection method: clinical testing. Allele origin: germline.
Comment: This sequence change falls in intron 10 of the FLCN gene. It does not directly change the encoded amino acid sequence of the FLCN protein. It affects a nucleotide within the consensus splice site. This variant is not present in population databases (gnomAD no frequency). This variant has not been reported in the literature in individuals affected with FLCN-related conditions. ClinVar contains an entry for this variant (Variation ID: 2451834). Variants that disrupt the consensus splice site are a relatively common cause of aberrant splicing (PMID: 17576681, 9536098). Algorithms developed to predict the effect of sequence changes on RNA splicing suggest that this variant may disrupt the consensus splice site. In summary, the available evidence is currently insufficient to determine the role of this variant in disease. Therefore, it has been classified as a Variant of Uncertain Significance.

Ambry Genetics
Classification: Uncertain significance for Hereditary cancer-predisposing syndrome. Last evaluated: 2023-02-15. Review status: criteria provided, single submitter. Criteria: Ambry Variant Classification Scheme 2023. Collection method: clinical testing. Allele origin: germline.
Comment: The c.1176+4delA intronic variant, located in intron 7 of the FLCN gene, results from a deletion of one nucleotide within intron 7 of the FLCN gene. This nucleotide position is well conserved in available vertebrate species. In silico splice site analysis predicts that this alteration will weaken the native splice donor site and will result in the creation or strengthening of a novel splice donor site. RNA studies have demonstrated that this alteration results in an incomplete splice defect; the clinical impact of this abnormal splicing is unknown at this time (Ambry internal data). Since supporting evidence is limited at this time, the clinical significance of this alteration remains unclear.

Literature cited by the submitters: PubMed 17576681 (cited by Labcorp Genetics (formerly Invitae), Labcorp); PubMed 9536098 (cited by Labcorp Genetics (formerly Invitae), Labcorp).

NM_144997.7(FLCN):c.1176+4del

Gene: FLCN (folliculin; minus strand). Cytogenetic location: 17p11.2.
Variant type: Deletion.
Coding change: c.1176+4del on transcript NM_144997.7 (MANE Select); 4 bases into the intron after coding-DNA position 1176, one base deleted (A; older notation c.1176+4delA).
Molecular consequence: intron variant.
Genome position (GRCh38, 1-based): chr17:17,217,065, T deleted on the plus strand (A on the coding strand, the reverse complement: FLCN is on the minus strand). VCF-style (leftmost placement, unchanged base first): chr17-17217064-CT-C. GRCh37 (hg19) VCF-style: chr17-17120378-CT-C.
Other names: c.1176+4del (NM_001353231.2, NM_001353230.2); c.1230+4del (NM_001353229.2).
Identifiers: ClinVar variation 2451834 (VCV002451834.3), dbSNP rs2544171879, ClinGen allele CA2580092726.